The following is an entry in ClinVar:

ClinVar aggregate classification (germline): Uncertain significance (1 of 4 stars; one submission).

Submission:

Labcorp Genetics (formerly Invitae), Labcorp
Classification: Uncertain significance. Last evaluated: 2022-02-06. Review status: criteria provided, single submitter. Criteria: Invitae Variant Classification Sherloc (09022015). Collection method: clinical testing. Allele origin: germline.
Comment: This variant is not present in population databases (gnomAD no frequency). In summary, the available evidence is currently insufficient to determine the role of this variant in disease. Therefore, it has been classified as a Variant of Uncertain Significance. This variant has not been reported in the literature in individuals affected with CAMK2B-related conditions. This sequence change creates a premature translational stop signal (p.Ser423Leufs*19) in the CAMK2B gene. It is expected to result in an absent or disrupted protein product. However, the current clinical and genetic evidence is not sufficient to establish whether loss-of-function variants in CAMK2B cause disease.

NM_001220.5(CAMK2B):c.1265dup (p.Ser423fs)

Gene: CAMK2B (calcium/calmodulin dependent protein kinase II beta; minus strand). Cytogenetic location: 7p13.
Variant type: Duplication.
Coding change: c.1265dup on transcript NM_001220.5 (MANE Select); coding-DNA position 1265, one base duplicated (G; older notation c.1265dupG).
Protein change: p.Ser423fs; shifts the reading frame from serine 423.
Molecular consequence: frameshift variant. On other transcripts: intron variant (8).
Genome position (GRCh38, 1-based): chr7:44,229,462, C duplicated on the plus strand (G on the coding strand, the reverse complement: CAMK2B is on the minus strand); the first of 4 consecutive C bases (chr7:44,229,462-44,229,465); duplicating any one gives the same sequence. VCF-style (leftmost placement, unchanged base first): chr7-44229461-G-GC. GRCh37 (hg19) VCF-style: chr7-44269060-G-GC.
Other names: c.947-8561dup (NM_172084.3); c.1150+1544dup (NM_172080.3); c.1036+1544dup (NM_172083.3); c.1108+1544dup (NM_172081.3); c.1153+1544dup (NM_172079.3, NM_172082.3); c.1225+1544dup (NM_001293170.2, NM_172078.3); short protein forms S423fs.
Identifiers: ClinVar variation 2094138 (VCV002094138.4), dbSNP rs765657875, ClinGen allele CA2580077159.
Genomic context (GRCh38, chr7:44,229,461, plus strand): 5'-GGGGCTAAAGGGAGCCGGAGATGGGCAGGGCAGGGGCCCCTCGGCTTCTGGGGCTCCCGA[G>GC]CCCCTCCTCACTGAGCTCAGGATGTCGGGGACCCTGGGGGCTGAGGCGGAACAGGTGAGG-3'